The following is an entry in ClinVar:

ClinVar aggregate classification (germline): Uncertain significance (1 of 4 stars; one submission).

Allele frequency attached by ClinVar (database versions not stated): ExAC 0.00002; gnomAD 0.00003; gnomAD exomes 0.00003; TOPMed 0.00004; 1000 Genomes Project 30x 0.00016; 1000 Genomes Project 0.00020.
gnomAD v4.1: 48 of 1,612,680 alleles (0.003%); highest among the groups gnomAD compares: Non-Finnish European, 0.0039%; no homozygotes.

Submission:

Labcorp Genetics (formerly Invitae), Labcorp
Classification: Uncertain significance. Last evaluated: 2025-11-03. Review status: criteria provided, single submitter. Criteria: Invitae Variant Classification Sherloc (09022015). Collection method: clinical testing. Allele origin: germline.
Comment: This sequence change replaces valine, which is neutral and non-polar, with leucine, which is neutral and non-polar, at codon 1239 of the SI protein (p.Val1239Leu). This variant is present in population databases (rs41273567, gnomAD 0.006%). This variant has not been reported in the literature in individuals affected with SI-related conditions. ClinVar contains an entry for this variant (Variation ID: 1514496). Invitae Evidence Modeling of protein sequence and biophysical properties (such as structural, functional, and spatial information, amino acid conservation, physicochemical variation, residue mobility, and thermodynamic stability) indicates that this missense variant is not expected to disrupt SI protein function with a negative predictive value of 95%. In summary, the available evidence is currently insufficient to determine the role of this variant in disease. Therefore, it has been classified as a Variant of Uncertain Significance.

NM_001041.4(SI):c.3715G>C (p.Val1239Leu)

Gene: SI (sucrase-isomaltase; minus strand). Cytogenetic location: 3q26.1.
Variant type: single nucleotide variant.
Coding change: c.3715G>C on transcript NM_001041.4 (MANE Select); coding-DNA position 3715, G replaced by C.
Protein change: p.Val1239Leu; replaces valine 1239 with leucine.
Molecular consequence: missense variant.
Genome position (GRCh38, 1-based): chr3:165,017,592, C>G on the plus strand (G>C on the coding strand, the complement: SI is on the minus strand). VCF-style: chr3-165017592-C-G. GRCh37 (hg19) VCF-style: chr3-164735380-C-G.
Other names: short protein forms V1239L.
Identifiers: ClinVar variation 1514496 (VCV001514496.5), dbSNP rs41273567, ClinGen allele CA2690164.